The following is an entry in ClinVar:

NM_005445.4(SMC3):c.993G>C (p.Gln331His)

Gene: SMC3 (structural maintenance of chromosomes 3; plus strand). Cytogenetic location: 10q25.2.
Variant type: single nucleotide variant.
Coding change: c.993G>C on transcript NM_005445.4 (MANE Select); coding-DNA position 993, G replaced by C.
Protein change: p.Gln331His; replaces glutamine 331 with histidine.
Molecular consequence: missense variant.
Genome position (GRCh38, 1-based): chr10:110,583,864, G>C. VCF-style: chr10-110583864-G-C. GRCh37 (hg19) VCF-style: chr10-112343622-G-C.
Other names: short protein forms Q331H.
Identifiers: ClinVar variation 2731450 (VCV002731450.3), dbSNP rs369244486, ClinGen allele CA5687869.
Genomic context (GRCh38, chr10:110,583,864, plus strand): 5'-AAATTTAAAGCAGTTTGCATTTTTACTTTGTTTACAGAAACGTTTATTAAAAGAGAGGCA[G>C]AAGCTGCTTGAAAAAATAGAAGAAAAGCAGAAAGAACTGGCAGAAACAGAACCCAAATTC-3'
Protein context (NP_005436.1, residues 321-341): EQRKRLLKER[Gln331His]KLLEKIEEKQ

ClinVar aggregate classification (germline): Uncertain significance (1 of 4 stars; one submission).

Conditions:
Cornelia de Lange syndrome 3 (CDLS3). Also called: SMC3-Related Cornelia de Lange Syndrome; CORNELIA DE LANGE SYNDROME 3 WITH OR WITHOUT MIDLINE BRAIN DEFECTS. Identifiers: Orphanet 199, MedGen C1853099, MONDO:0012555, OMIM 610759.

Allele frequency attached by ClinVar (database versions not stated): ExAC 0.00001; gnomAD exomes 0.00001; TOPMed 0.00001; gnomAD 0.00002; ESP Exome Variant Server 0.00008.
gnomAD v4.1: 24 of 1,613,292 alleles (0.0015%); highest among the groups gnomAD compares: Admixed American, 0.0017%; no homozygotes.

Submission:

Labcorp Genetics (formerly Invitae), Labcorp
Classification: Uncertain significance for Cornelia de Lange syndrome 3. Last evaluated: 2025-06-23. Review status: criteria provided, single submitter. Criteria: Invitae Variant Classification Sherloc (09022015). Collection method: clinical testing. Allele origin: germline.
Comment: This sequence change replaces glutamine, which is neutral and polar, with histidine, which is basic and polar, at codon 331 of the SMC3 protein (p.Gln331His). This variant is present in population databases (rs369244486, gnomAD 0.0009%). This variant has not been reported in the literature in individuals affected with SMC3-related conditions. ClinVar contains an entry for this variant (Variation ID: 2731450). Invitae Evidence Modeling of protein sequence and biophysical properties (such as structural, functional, and spatial information, amino acid conservation, physicochemical variation, residue mobility, and thermodynamic stability) has been performed for this missense variant. However, the output from this modeling did not meet the statistical confidence thresholds required to predict the impact of this variant on SMC3 protein function. In summary, the available evidence is currently insufficient to determine the role of this variant in disease. Therefore, it has been classified as a Variant of Uncertain Significance.